The following is an entry in ClinVar:

NM_003972.3(BTAF1):c.2977G>T (p.Ala993Ser)

Gene: BTAF1 (B-TFIID TATA-box binding protein associated factor 1; plus strand). Cytogenetic location: 10q23.32.
Variant type: single nucleotide variant.
Coding change: c.2977G>T on transcript NM_003972.3 (MANE Select); coding-DNA position 2977, G replaced by T.
Protein change: p.Ala993Ser; replaces alanine 993 with serine.
Molecular consequence: missense variant. On other transcripts: non-coding transcript variant (14).
Genome position (GRCh38, 1-based): chr10:91,992,241, G>T. VCF-style: chr10-91992241-G-T. GRCh37 (hg19) VCF-style: chr10-93751998-G-T.
Other names: short protein forms A993S.
Identifiers: ClinVar variation 5001865 (VCV005001865.1).
Genomic context (GRCh38, chr10:91,992,241, plus strand): 5'-CTCTACAGGCACCAGAAAGCTGCCTTTGCTATCACAAGTAGGCGAGGTCCTACCCCCAAA[G>T]CAGTAAAAGCTCAAATAGCAGATCTTCCTGCAGGAAGTAGTGGAAATATTCTTGTTGAAC-3'
Protein context (NP_003963.1, residues 983-1003): ITSRRGPTPK[Ala993Ser]VKAQIADLPA

ClinVar aggregate classification (germline): Uncertain significance (1 of 4 stars; one submission).

Conditions:
BTAF1-related disorder. Also called: BTAF1-related condition.

Submission:

PreventionGenetics, part of Exact Sciences
Classification: Uncertain significance for BTAF1-related condition. Last evaluated: 2024-11-18. Review status: criteria provided, single submitter. Criteria: ACMG Guidelines, 2015. Collection method: clinical testing. Allele origin: germline.
Comment: The BTAF1 c.2977G>T variant is predicted to result in the amino acid substitution p.Ala993Ser. To our knowledge, this variant has not been reported in the literature or in a large population database (gnomAD), indicating this variant is rare. At this time, the clinical significance of this variant is uncertain due to the absence of conclusive functional and genetic evidence.